The following is an entry in ClinVar:

NM_020928.2(ZSWIM6):c.1985A>G (p.Glu662Gly)

Gene: ZSWIM6 (zinc finger SWIM-type containing 6; plus strand). Cytogenetic location: 5q12.1.
Variant type: single nucleotide variant.
Coding change: c.1985A>G on transcript NM_020928.2 (MANE Select); coding-DNA position 1985, A replaced by G.
Protein change: p.Glu662Gly; replaces glutamic acid 662 with glycine.
Molecular consequence: missense variant.
Genome position (GRCh38, 1-based): chr5:61,531,465, A>G. VCF-style: chr5-61531465-A-G. GRCh37 (hg19) VCF-style: chr5-60827292-A-G.
Other names: short protein forms E662G.
Identifiers: ClinVar variation 3642453 (VCV003642453.2).

ClinVar aggregate classification (germline): Uncertain significance (1 of 4 stars; one submission).

Submission:

Labcorp Genetics (formerly Invitae), Labcorp
Classification: Uncertain significance. Last evaluated: 2024-02-22. Review status: criteria provided, single submitter. Criteria: Invitae Variant Classification Sherloc (09022015). Collection method: clinical testing. Allele origin: germline.
Comment: This sequence change replaces glutamic acid, which is acidic and polar, with glycine, which is neutral and non-polar, at codon 662 of the ZSWIM6 protein (p.Glu662Gly). This variant is not present in population databases (gnomAD no frequency). This variant has not been reported in the literature in individuals affected with ZSWIM6-related conditions. An algorithm developed to predict the effect of missense changes on protein structure and function (PolyPhen-2) suggests that this variant is likely to be tolerated. In summary, the available evidence is currently insufficient to determine the role of this variant in disease. Therefore, it has been classified as a Variant of Uncertain Significance.